The following is an entry in ClinVar:

NM_001242.5(CD27):c.497T>G (p.Phe166Cys)

Genes: CD27 (CD27 molecule; plus strand), CD27-AS1 (CD27 antisense RNA 1; minus strand). Cytogenetic location: 12p13.31.
Variant type: single nucleotide variant.
Coding change: c.497T>G on transcript NM_001242.5 (MANE Select); coding-DNA position 497, T replaced by G.
Protein change: p.Phe166Cys; replaces phenylalanine 166 with cysteine.
Molecular consequence: missense variant. On other transcripts: non-coding transcript variant (1).
Genome position (GRCh38, 1-based): chr12:6,450,589, T>G. VCF-style: chr12-6450589-T-G. GRCh37 (hg19) VCF-style: chr12-6559755-T-G.
Other names: c.497T>G (NM_001242.4); short protein forms F166C.
Identifiers: ClinVar variation 1370281 (VCV001370281.6), dbSNP rs139337300, ClinGen allele CA6407002.

ClinVar aggregate classification (germline): Uncertain significance. Review status: criteria provided, multiple submitters, no conflicts (2 of 4 stars). 2 submissions from 2 submitters: Uncertain significance (2). Last evaluated 2022-07-25.

Conditions:
Inborn genetic diseases. Identifiers: MedGen C0950123, MeSH D030342.
Lymphoproliferative syndrome 2 (LPFS2). Also called: Combined immunodeficiency due to CD27 deficiency; CD27 DEFICIENCY. Identifiers: Orphanet 238505, MedGen C3554540, MONDO:0014054, OMIM 615122.

Allele frequency attached by ClinVar (database versions not stated): gnomAD exomes 0.00001 and 0.00002; ExAC 0.00004; ESP Exome Variant Server 0.00015; gnomAD 0.00020 and 0.00022; TOPMed 0.00028.

Submissions (2):

Labcorp Genetics (formerly Invitae), Labcorp
Classification: Uncertain significance for Lymphoproliferative syndrome 2. Last evaluated: 2022-07-25. Review status: criteria provided, single submitter. Criteria: Invitae Variant Classification Sherloc (09022015). Collection method: clinical testing. Allele origin: germline.
Comment: This sequence change replaces phenylalanine, which is neutral and non-polar, with cysteine, which is neutral and slightly polar, at codon 166 of the CD27 protein (p.Phe166Cys). This variant is present in population databases (rs139337300, gnomAD 0.05%). This variant has not been reported in the literature in individuals affected with CD27-related conditions. ClinVar contains an entry for this variant (Variation ID: 1370281). Algorithms developed to predict the effect of missense changes on protein structure and function are either unavailable or do not agree on the potential impact of this missense change (SIFT: "Tolerated"; PolyPhen-2: "Possibly Damaging"; Align-GVGD: "Class C0"). In summary, the available evidence is currently insufficient to determine the role of this variant in disease. Therefore, it has been classified as a Variant of Uncertain Significance.

Ambry Genetics
Classification: Uncertain significance for Inborn genetic diseases. Last evaluated: 2021-08-10. Review status: criteria provided, single submitter. Criteria: Ambry Variant Classification Scheme 2023. Collection method: clinical testing. Allele origin: germline.